The following is an entry in ClinVar:

NM_005245.4(FAT1):c.2009T>C (p.Val670Ala)

Gene: FAT1 (FAT atypical cadherin 1; minus strand). Cytogenetic location: 4q35.2.
Variant type: single nucleotide variant.
Coding change: c.2009T>C on transcript NM_005245.4 (MANE Select); coding-DNA position 2009, T replaced by C.
Protein change: p.Val670Ala; replaces valine 670 with alanine.
Molecular consequence: missense variant.
Genome position (GRCh38, 1-based): chr4:186,707,819, A>G on the plus strand (T>C on the coding strand, the complement: FAT1 is on the minus strand). VCF-style: chr4-186707819-A-G. GRCh37 (hg19) VCF-style: chr4-187628973-A-G.
Other names: c.2009T>C, p.Val670Ala (NM_001440455.1, NM_001440456.1, NM_001440457.1); short protein forms V670A.
Identifiers: ClinVar variation 5021550 (VCV005021550.1).
Genomic context (GRCh38, chr4:186,707,819, plus strand): 5'-GCCTGCAGGAGCTTCTCTGCCAGCATTTTGGCAACACCAGTCTCTTCACACTGCAAGTTT[A>G]CCAGCTTGTGACTGGCAGCCACTGTTATGTTGATATATAATGGTGTGGCAAAATTTTCTC-3'
Protein context (NP_005236.2, residues 660-680): NITVAASHKL[Val670Ala]NLQCEETGVA

ClinVar aggregate classification (germline): Uncertain significance (1 of 4 stars; one submission).

Conditions:
Inborn genetic diseases. Identifiers: MedGen C0950123, MeSH D030342.

gnomAD v4.1: 11 of 1,613,732 alleles (0.00068%); highest among the groups gnomAD compares: South Asian, 0.011%; no homozygotes.

Submission:

Ambry Genetics
Classification: Uncertain significance for Inborn genetic diseases. Last evaluated: 2026-08-05. Review status: criteria provided, single submitter. Criteria: Ambry Variant Classification Scheme 2023. Collection method: clinical testing. Allele origin: germline.
Comment: The c.2009T>C (p.V670A) alteration is located in exon 2 (coding exon 1) of the FAT1 gene. This alteration results from a T to C substitution at nucleotide position 2009, causing the valine (V) at amino acid position 670 to be replaced by an alanine (A). Based on data from gnomAD, the C allele has an overall frequency of 0.001% (3/248924) total alleles studied. The highest observed frequency was 0.01% (3/30600) of South Asian alleles. Based on insufficient or conflicting evidence, the clinical significance of this alteration remains unclear.